The following is an entry in ClinVar:

NM_001105247.2(ARMC5):c.170dup (p.Ile58fs)

Gene: ARMC5 (armadillo repeat containing 5; plus strand). Cytogenetic location: 16p11.2.
Variant type: Duplication.
Coding change: c.170dup on transcript NM_001105247.2 (MANE Select); coding-DNA position 170, one base duplicated (G; older notation c.170dupG).
Protein change: p.Ile58fs; shifts the reading frame from isoleucine 58.
Molecular consequence: frameshift variant.
Genome position (GRCh38, 1-based): chr16:31,459,694, G duplicated; the last of 6 consecutive G bases (chr16:31,459,689-31,459,694); duplicating any one gives the same sequence. VCF-style (leftmost placement, unchanged base first): chr16-31459688-C-CG. GRCh37 (hg19) VCF-style: chr16-31471009-C-CG.
Other names: c.455dupG (NM_001288767.1); c.455dup, p.Ile153fs (NM_001288767.2); c.266dup, p.Ile90fs (NM_001301820.1); c.170dup, p.Ile58fs (NM_024742.2); short protein forms I153fs, I58fs, I90fs.
Identifiers: ClinVar variation 4532321 (VCV004532321.2).

ClinVar aggregate classification (germline): Likely pathogenic. Review status: criteria provided, multiple submitters, no conflicts (2 of 4 stars). 2 submissions from 2 submitters: Likely pathogenic (2). Last evaluated 2025-05-30.

Conditions:
ARMC5-related disorder. Also called: ARMC5-related condition.

Submissions (2):

PreventionGenetics, part of Exact Sciences
Classification: Likely pathogenic for ARMC5-related condition. Last evaluated: 2025-05-30. Review status: criteria provided, single submitter. Criteria: ACMG Guidelines, 2015. Collection method: clinical testing. Allele origin: germline.
Comment: The ARMC5 c.455dupG variant is predicted to result in a frameshift and premature protein termination (p.Ile153Asnfs*45). This variant is alternatively referred to as c.170dupG (p.Ile58Asnfs*45) using the primary transcript, NM_001105247. This variant has been reported in an individual with macronodular adrenal hyperplasia (Figure 1, Faucz. 2014. PubMed ID: 24601692). This variant has not been reported in a large population database (gnomAD), indicating this variant is rare. Frameshift variants in ARMC5 are expected to be pathogenic. This variant is interpreted as likely pathogenic.

GeneDx
Classification: Likely pathogenic. Last evaluated: 2025-05-26. Review status: criteria provided, single submitter. Criteria: GeneDx Variant Classification Process June 2021. Collection method: clinical testing. Allele origin: germline. Affected: yes.
Comment: Frameshift variant predicted to result in protein truncation or nonsense mediated decay in a gene for which loss of function is a known mechanism of disease; Not observed at significant frequency in large population cohorts (gnomAD); Has been observed in a cohort of patients with macronodular adrenal hyperplasia in the published literature; however clear clinical details were not specified (PMID: 24601692); This variant is associated with the following publications: (PMID: 24601692)